The following is an entry in ClinVar:

ClinVar aggregate classification (germline): Uncertain significance (1 of 4 stars; one submission).

Conditions:
Epileptic encephalopathy. Identifiers: MedGen C0543888, HP:0200134.

gnomAD v4.1: 3 of 1,586,304 alleles (0.00019%); highest among the groups gnomAD compares: Non-Finnish European, 0.00026%; no homozygotes.

Submission:

Labcorp Genetics (formerly Invitae), Labcorp
Classification: Uncertain significance for Epileptic encephalopathy. Last evaluated: 2024-03-02. Review status: criteria provided, single submitter. Criteria: Invitae Variant Classification Sherloc (09022015). Collection method: clinical testing. Allele origin: germline.
Comment: This sequence change replaces arginine, which is basic and polar, with proline, which is neutral and non-polar, at codon 1538 of the FASN protein (p.Arg1538Pro). This variant is not present in population databases (gnomAD no frequency). This variant has not been reported in the literature in individuals affected with FASN-related conditions. An algorithm developed to predict the effect of missense changes on protein structure and function (PolyPhen-2) suggests that this variant is likely to be disruptive. In summary, the available evidence is currently insufficient to determine the role of this variant in disease. Therefore, it has been classified as a Variant of Uncertain Significance.

NM_004104.5(FASN):c.4613G>C (p.Arg1538Pro)

Gene: FASN (fatty acid synthase; minus strand). Cytogenetic location: 17q25.3.
Variant type: single nucleotide variant.
Coding change: c.4613G>C on transcript NM_004104.5 (MANE Select); coding-DNA position 4613, G replaced by C.
Protein change: p.Arg1538Pro; replaces arginine 1538 with proline.
Molecular consequence: missense variant.
Genome position (GRCh38, 1-based): chr17:82,084,668, C>G on the plus strand (G>C on the coding strand, the complement: FASN is on the minus strand). VCF-style: chr17-82084668-C-G. GRCh37 (hg19) VCF-style: chr17-80042544-C-G.
Other names: short protein forms R1538P.
Identifiers: ClinVar variation 3695020 (VCV003695020.2).